The following is an entry in ClinVar:

ClinVar aggregate classification (germline): Pathogenic (1 of 4 stars; one submission).

Submission:

Labcorp Genetics (formerly Invitae), Labcorp
Classification: Pathogenic. Last evaluated: 2022-06-27. Review status: criteria provided, single submitter. Criteria: Invitae Variant Classification Sherloc (09022015). Collection method: clinical testing. Allele origin: germline.
Comment: For these reasons, this variant has been classified as Pathogenic. This variant disrupts a region of the HOGA1 protein in which other variant(s) (p.Cys257Gly) have been determined to be pathogenic (PMID: 20797690, 25972204, 30488096). This suggests that this is a clinically significant region of the protein, and that variants that disrupt it are likely to be disease-causing. This variant has not been reported in the literature in individuals affected with HOGA1-related conditions. This variant is a gross deletion of the genomic region encompassing exon(s) 2-6 of the HOGA1 gene. While this deletion is not anticipated to lead to nonsense mediated decay, it is expected to disrupt the C-terminus of the protein.

Literature cited by the submitters: PubMed 20797690; PubMed 25972204; PubMed 30488096.

NC_000010.10:g.(?_99358512)_(99361767_?)del

Gene: HOGA1 (4-hydroxy-2-oxoglutarate aldolase 1; plus strand). Cytogenetic location: 10q24.2.
Variant type: Deletion.
Identifiers: ClinVar variation 2427239 (VCV002427239.4).